The following is an entry in ClinVar:

ClinVar aggregate classification (germline): Uncertain significance (1 of 4 stars; one submission).

Conditions:
Neurodevelopmental disorder with hypotonia and variable intellectual and behavioral abnormalities. Identifiers: MedGen C5231423, MONDO:0032829, OMIM 618603.

Submission:

Dasa
Classification: Uncertain significance for Neurodevelopmental disorder with hypotonia and variable intellectual and behavioral abnormalities. Last evaluated: 2026-01-17. Review status: criteria provided, single submitter. Criteria: DASA Assertion Criteria. Collection method: clinical testing. Allele origin: germline.
Comment: NM_000937.5(POLR2A):c.4600A>G (p.Ser1534Gly) is a missense variant that results in the substitution of serine with glycine. This variant is rare in population databases. Computational prediction algorithms are consistent with a benign effect. The currently available literature and clinical evidence are not sufficient to establish a definitive association between this variant and the reported condition. Therefore, this variant is classified as a variant of uncertain significance.

NM_000937.5(POLR2A):c.4600A>G (p.Ser1534Gly)

Gene: POLR2A (RNA polymerase II subunit A; plus strand). Cytogenetic location: 17p13.1.
Variant type: single nucleotide variant.
Coding change: c.4600A>G on transcript NM_000937.5 (MANE Select); coding-DNA position 4600, A replaced by G.
Protein change: p.Ser1534Gly; replaces serine 1534 with glycine.
Molecular consequence: missense variant.
Genome position (GRCh38, 1-based): chr17:7,512,584, A>G. VCF-style: chr17-7512584-A-G. GRCh37 (hg19) VCF-style: chr17-7415903-A-G.
Other names: short protein forms S1534G.
Identifiers: ClinVar variation 4883331 (VCV004883331.2).